The following is an entry in ClinVar:

ClinVar aggregate classification (germline): Uncertain significance. Review status: criteria provided, multiple submitters, no conflicts (2 of 4 stars). 3 submissions from 3 submitters: Uncertain significance (3). Last evaluated 2024-03-12.

Conditions:
Hermansky-Pudlak syndrome 2 (HPS2). Also called: Platelet defects and oculocutaneous albinism. Identifiers: Orphanet 183678, Orphanet 79430, MedGen C1842362, MONDO:0011997, OMIM 608233.

Allele frequency attached by ClinVar (database versions not stated): TOPMed 0.00002; 1000 Genomes Project 30x 0.00016; ExAC 0.00016; 1000 Genomes Project 0.00020.
gnomAD v4.1: 52 of 1,608,860 alleles (0.0032%); highest among the groups gnomAD compares: South Asian, 0.04%; no homozygotes.

Submissions (3):

Fulgent Genetics
Classification: Uncertain significance for Hermansky-Pudlak syndrome 2. Last evaluated: 2024-03-12. Review status: criteria provided, single submitter. Criteria: ACMG Guidelines, 2015. Collection method: clinical testing. Allele origin: germline.

Labcorp Genetics (formerly Invitae), Labcorp
Classification: Uncertain significance for Hermansky-Pudlak syndrome 2. Last evaluated: 2023-02-21. Review status: criteria provided, single submitter. Criteria: Invitae Variant Classification Sherloc (09022015). Collection method: clinical testing. Allele origin: germline.
Comment: This sequence change replaces aspartic acid, which is acidic and polar, with asparagine, which is neutral and polar, at codon 781 of the AP3B1 protein (p.Asp781Asn). This variant is present in population databases (rs532221135, gnomAD 0.05%). This variant has not been reported in the literature in individuals affected with AP3B1-related conditions. ClinVar contains an entry for this variant (Variation ID: 904909). An algorithm developed to predict the effect of missense changes on protein structure and function (PolyPhen-2) suggests that this variant is likely to be disruptive. In summary, the available evidence is currently insufficient to determine the role of this variant in disease. Therefore, it has been classified as a Variant of Uncertain Significance.

Illumina Laboratory Services, Illumina
Classification: Uncertain significance for Hermansky-Pudlak syndrome 2. Last evaluated: 2018-01-12. Review status: criteria provided, single submitter. Criteria: ICSL Variant Classification Criteria 13 December 2019. Collection method: clinical testing. Allele origin: germline.

NM_003664.5(AP3B1):c.2341G>A (p.Asp781Asn)

Gene: AP3B1 (adaptor related protein complex 3 subunit beta 1; minus strand). Cytogenetic location: 5q14.1.
Variant type: single nucleotide variant.
Coding change: c.2341G>A on transcript NM_003664.5 (MANE Select); coding-DNA position 2341, G replaced by A.
Protein change: p.Asp781Asn; replaces aspartic acid 781 with asparagine.
Molecular consequence: missense variant.
Genome position (GRCh38, 1-based): chr5:78,110,263, C>T on the plus strand (G>A on the coding strand, the complement: AP3B1 is on the minus strand). VCF-style: chr5-78110263-C-T. GRCh37 (hg19) VCF-style: chr5-77406087-C-T.
Other names: c.2194G>A, p.Asp732Asn (NM_001271769.2); short protein forms D732N, D781N.
Identifiers: ClinVar variation 904909 (VCV000904909.7), dbSNP rs532221135, ClinGen allele CA3316799.